The following is an entry in ClinVar:

NM_001306158.2(RABL2A):c.388G>A (p.Val130Met)

Gene: RABL2A (RAB, member of RAS oncogene family like 2A; plus strand). Cytogenetic location: 2q14.1.
Variant type: single nucleotide variant.
Coding change: c.388G>A on transcript NM_001306158.2 (MANE Select); coding-DNA position 388, G replaced by A.
Protein change: p.Val130Met; replaces valine 130 with methionine.
Molecular consequence: missense variant. On other transcripts: intron variant (6).
Genome position (GRCh38, 1-based): chr2:113,640,984, G>A. VCF-style: chr2-113640984-G-A. GRCh37 (hg19) VCF-style: chr2-114398561-G-A.
Other names: c.388G>A, p.Val130Met (NM_001306159.2, NM_001354416.2, NM_001354417.2 and 12 more transcripts); c.218-369G>A (NM_001354423.2, NM_001354419.2, NM_001306161.2 and 2 more transcripts); c.218-372G>A (NM_001354424.2); c.133G>A, p.Val45Met (NM_001354425.2, NM_001354426.2); c.112G>A, p.Val38Met (NM_001354427.2, NM_001354428.2); short protein forms V130M, V38M, V45M.
Identifiers: ClinVar variation 4831919 (VCV004831919.1).

ClinVar aggregate classification (germline): Uncertain significance (1 of 4 stars; one submission).

Submission:

Ambry Genetics
Classification: Uncertain significance. Last evaluated: 2026-02-25. Review status: criteria provided, single submitter. Criteria: Ambry Variant Classification Scheme 2023. Collection method: clinical testing. Allele origin: germline.
Comment: The c.388G>A (p.V130M) alteration is located in exon 6 (coding exon 5) of the RABL2A gene. This alteration results from a G to A substitution at nucleotide position 388, causing the valine (V) at amino acid position 130 to be replaced by a methionine (M). Based on data from gnomAD, the A allele has an overall frequency of <0.001% (1/248026) total alleles studied. The highest observed frequency was 0.006% (1/15856) of African alleles. Based on insufficient or conflicting evidence, the clinical significance of this alteration remains unclear.